The following is an entry in ClinVar:

ClinVar aggregate classification (germline): Uncertain significance (1 of 4 stars; one submission).

gnomAD v4.1: 6 of 1,558,946 alleles (0.00038%); highest among the groups gnomAD compares: Non-Finnish European, 0.00052%; no homozygotes.

Submission:

Ambry Genetics
Classification: Uncertain significance. Last evaluated: 2024-04-25. Review status: criteria provided, single submitter. Criteria: Ambry Variant Classification Scheme 2023. Collection method: clinical testing. Allele origin: germline.
Comment: The p.T81K variant (also known as c.242C>A), located in coding exon 1 of the TERF2IP gene, results from a C to A substitution at nucleotide position 242. The threonine at codon 81 is replaced by lysine, an amino acid with similar properties. This amino acid position is conserved. In addition, the in silico prediction for this alteration is inconclusive. Based on the available evidence, the clinical significance of this variant remains unclear.

NM_018975.4(TERF2IP):c.242C>A (p.Thr81Lys)

Gene: TERF2IP (TERF2 interacting protein; plus strand). Cytogenetic location: 16q23.1.
Variant type: single nucleotide variant.
Coding change: c.242C>A on transcript NM_018975.4 (MANE Select); coding-DNA position 242, C replaced by A.
Protein change: p.Thr81Lys; replaces threonine 81 with lysine.
Molecular consequence: missense variant. On other transcripts: non-coding transcript variant (1).
Genome position (GRCh38, 1-based): chr16:75,648,124, C>A. VCF-style: chr16-75648124-C-A. GRCh37 (hg19) VCF-style: chr16-75682022-C-A.
Other names: short protein forms T81K.
Identifiers: ClinVar variation 3325436 (VCV003325436.1).